The following is an entry in ClinVar:

ClinVar aggregate classification (germline): Uncertain significance (1 of 4 stars; one submission).

Conditions:
Emery-Dreifuss muscular dystrophy 5, autosomal dominant (EDMD5). Also called: EMERY-DREIFUSS MUSCULAR DYSTROPHY 5. Identifiers: Orphanet 261, MedGen C2751805, MONDO:0013072, OMIM 612999.

Allele frequency attached by ClinVar (database versions not stated): gnomAD exomes 0.00001.
gnomAD v4.1: 9 of 1,606,470 alleles (0.00056%); highest among the groups gnomAD compares: Middle Eastern, 0.017%; no homozygotes.

Submission:

Labcorp Genetics (formerly Invitae), Labcorp
Classification: Uncertain significance for Emery-Dreifuss muscular dystrophy 5, autosomal dominant. Last evaluated: 2022-07-06. Review status: criteria provided, single submitter. Criteria: Invitae Variant Classification Sherloc (09022015). Collection method: clinical testing. Allele origin: germline.
Comment: ClinVar contains an entry for this variant (Variation ID: 1398059). This variant has not been reported in the literature in individuals affected with SYNE2-related conditions. This variant is present in population databases (no rsID available, gnomAD 0.006%). This sequence change replaces isoleucine, which is neutral and non-polar, with leucine, which is neutral and non-polar, at codon 3909 of the SYNE2 protein (p.Ile3909Leu). In summary, the available evidence is currently insufficient to determine the role of this variant in disease. Therefore, it has been classified as a Variant of Uncertain Significance. Algorithms developed to predict the effect of missense changes on protein structure and function are either unavailable or do not agree on the potential impact of this missense change (SIFT: "Tolerated"; PolyPhen-2: "Probably Damaging"; Align-GVGD: "Class C0").

NM_182914.3(SYNE2):c.11725A>C (p.Ile3909Leu)

Gene: SYNE2 (spectrin repeat containing nuclear envelope protein 2; plus strand). Cytogenetic location: 14q23.2.
Variant type: single nucleotide variant.
Coding change: c.11725A>C on transcript NM_182914.3 (MANE Select); coding-DNA position 11725, A replaced by C.
Protein change: p.Ile3909Leu; replaces isoleucine 3909 with leucine.
Molecular consequence: missense variant.
Genome position (GRCh38, 1-based): chr14:64,089,628, A>C. VCF-style: chr14-64089628-A-C. GRCh37 (hg19) VCF-style: chr14-64556346-A-C.
Other names: c.11725A>C, p.Ile3909Leu (NM_015180.6); short protein forms I3909L.
Identifiers: ClinVar variation 1398059 (VCV001398059.8), dbSNP rs1484721302, ClinGen allele CA389947691.